The following is an entry in ClinVar:

NM_014241.4(HACD1):c.764C>T (p.Thr255Ile)

Gene: HACD1 (3-hydroxyacyl-CoA dehydratase 1; minus strand). Cytogenetic location: 10p12.33.
Variant type: single nucleotide variant.
Coding change: c.764C>T on transcript NM_014241.4 (MANE Select); coding-DNA position 764, C replaced by T.
Protein change: p.Thr255Ile; replaces threonine 255 with isoleucine.
Molecular consequence: missense variant.
Genome position (GRCh38, 1-based): chr10:17,594,225, G>A on the plus strand (C>T on the coding strand, the complement: HACD1 is on the minus strand). VCF-style: chr10-17594225-G-A. GRCh37 (hg19) VCF-style: chr10-17636224-G-A.
Other names: short protein forms T255I.
Identifiers: ClinVar variation 2090668 (VCV002090668.2), dbSNP rs782520907, ClinGen allele CA376192951.
Genomic context (GRCh38, chr10:17,594,225, plus strand): 5'-ATCATATGTCAAATCAAAGTACTAATAAGTATATACTTACAAGGTATATATGATGCCATG[G>A]TTATAAGAAGAAAATAATAGTAGTCAAAAGAGACATTGTATTTGTTAGGAAGTCTTATTG-3'
Protein context (NP_055056.3, residues 245-265): SFDYYYFLLI[Thr255Ile]MASYIPLFPQ

ClinVar aggregate classification (germline): Uncertain significance (1 of 4 stars; one submission).

Submission:

Labcorp Genetics (formerly Invitae), Labcorp
Classification: Uncertain significance. Last evaluated: 2022-10-14. Review status: criteria provided, single submitter. Criteria: Invitae Variant Classification Sherloc (09022015). Collection method: clinical testing. Allele origin: germline.
Comment: In summary, the available evidence is currently insufficient to determine the role of this variant in disease. Therefore, it has been classified as a Variant of Uncertain Significance. Advanced modeling of protein sequence and biophysical properties (such as structural, functional, and spatial information, amino acid conservation, physicochemical variation, residue mobility, and thermodynamic stability) performed at Invitae indicates that this missense variant is not expected to disrupt HACD1 protein function. This variant has not been reported in the literature in individuals affected with HACD1-related conditions. This variant is not present in population databases (gnomAD no frequency). This sequence change replaces threonine, which is neutral and polar, with isoleucine, which is neutral and non-polar, at codon 255 of the HACD1 protein (p.Thr255Ile).